The following is an entry in ClinVar:

NM_006904.7(PRKDC):c.8185C>T (p.Arg2729Cys)

Gene: PRKDC (protein kinase, DNA-activated, catalytic subunit; minus strand). Cytogenetic location: 8q11.21.
Variant type: single nucleotide variant.
Coding change: c.8185C>T on transcript NM_006904.7 (MANE Select); coding-DNA position 8185, C replaced by T.
Protein change: p.Arg2729Cys; replaces arginine 2729 with cysteine.
Molecular consequence: missense variant.
Genome position (GRCh38, 1-based): chr8:47,831,894, G>A on the plus strand (C>T on the coding strand, the complement: PRKDC is on the minus strand). VCF-style: chr8-47831894-G-A. GRCh37 (hg19) VCF-style: chr8-48744455-G-A.
Other names: c.8185C>T, p.Arg2729Cys (NM_001081640.2); short protein forms R2729C.
Identifiers: ClinVar variation 2170918 (VCV002170918.1), dbSNP rs1038437838, ClinGen allele CA176153552.

ClinVar aggregate classification (germline): Uncertain significance (1 of 4 stars; one submission).

Conditions:
Severe combined immunodeficiency due to DNA-PKcs deficiency. Also called: IMMUNODEFICIENCY 26 WITH NEUROLOGIC ABNORMALITIES; Immunodeficiency 26 with or without neurologic abnormalities. Identifiers: Orphanet 317425, MedGen C4014833, MONDO:0014423, OMIM 615966.

Allele frequency attached by ClinVar (database versions not stated): gnomAD 0.00001; gnomAD exomes 0.00001; TOPMed 0.00002.
gnomAD v4.1: 10 of 1,613,814 alleles (0.00062%); highest among the groups gnomAD compares: Admixed American, 0.0017%; no homozygotes.

Submission:

Labcorp Genetics (formerly Invitae), Labcorp
Classification: Uncertain significance for Severe combined immunodeficiency due to DNA-PKcs deficiency. Last evaluated: 2022-06-19. Review status: criteria provided, single submitter. Criteria: Invitae Variant Classification Sherloc (09022015). Collection method: clinical testing. Allele origin: germline.
Comment: This sequence change replaces arginine, which is basic and polar, with cysteine, which is neutral and slightly polar, at codon 2729 of the PRKDC protein (p.Arg2729Cys). This variant is present in population databases (no rsID available, gnomAD 0.004%). This variant has not been reported in the literature in individuals affected with PRKDC-related conditions. Experimental studies and prediction algorithms are not available or were not evaluated, and the functional significance of this variant is currently unknown. In summary, the available evidence is currently insufficient to determine the role of this variant in disease. Therefore, it has been classified as a Variant of Uncertain Significance.